The following is an entry in ClinVar:

NM_001164508.2(NEB):c.20128G>A (p.Val6710Ile)

Gene: NEB (nebulin; minus strand). Cytogenetic location: 2q23.3.
Variant type: single nucleotide variant.
Coding change: c.20128G>A on transcript NM_001164508.2 (MANE Select); coding-DNA position 20128, G replaced by A.
Protein change: p.Val6710Ile; replaces valine 6710 with isoleucine.
Molecular consequence: missense variant.
Genome position (GRCh38, 1-based): chr2:151,548,337, C>T on the plus strand (G>A on the coding strand, the complement: NEB is on the minus strand). VCF-style: chr2-151548337-C-T. GRCh37 (hg19) VCF-style: chr2-152404851-C-T.
Other names: p.Val6710Ile; c.20128G>A, p.Val6710Ile (NM_001164507.2, NM_001271208.2); c.15025G>A, p.Val5009Ile (NM_004543.5); short protein forms V6710I, V5009I.
Identifiers: ClinVar variation 465532 (VCV000465532.68), dbSNP rs199890298, ClinGen allele CA1907433.

ClinVar aggregate classification (germline): Conflicting classifications of pathogenicity. Review status: criteria provided, conflicting classifications (1 of 4 stars). 9 submissions from 9 submitters: Uncertain significance (3); Likely benign (5). 1 of the submissions does not count toward it. Last evaluated 2026-02-01.

Conditions:
NEB-related disorder. Also called: NEB-Related Disorders; NEB-related condition.
Inborn genetic diseases. Identifiers: MedGen C0950123, MeSH D030342.
Nemaline myopathy 2 (NEM2). Also called: Nemaline myopathy 2, autosomal recessive. Identifiers: MedGen C1850569, MONDO:0009725, OMIM 256030.

Allele frequency attached by ClinVar (database versions not stated): ESP Exome Variant Server 0.00025; 1000 Genomes Project 0.00040; ExAC 0.00052; gnomAD exomes 0.00058 and 0.00065; 1000 Genomes Project 30x 0.00062; gnomAD 0.00069 and 0.00070; TOPMed 0.00077.
gnomAD v4.1: 965 of 1,613,448 alleles (0.06%); highest among the groups gnomAD compares: Admixed American, 0.29%; 1 homozygote.

Submissions (9):

Labcorp Genetics (formerly Invitae), Labcorp
Classification: Likely benign for Nemaline myopathy 2. Last evaluated: 2026-02-01. Review status: criteria provided, single submitter. Criteria: Invitae Variant Classification Sherloc (09022015). Collection method: clinical testing. Allele origin: germline.

Mayo Clinic Laboratories, Mayo Clinic
Classification: Likely benign. Last evaluated: 2025-10-21. Review status: criteria provided, single submitter. Criteria: ACMG Guidelines, 2015. Collection method: clinical testing. Allele origin: germline. Observed: 2 variant alleles.
Comment: BP4

CeGaT Center for Human Genetics Tuebingen
Classification: Likely benign. Last evaluated: 2025-04-01. Review status: criteria provided, single submitter. Criteria: CeGaT Center For Human Genetics Tuebingen Variant Classification Criteria Version 2. Collection method: clinical testing. Allele origin: germline. Affected: yes. Observed: 3 variant alleles.
Comment: NEB: BP4

Ambry Genetics
Classification: Uncertain significance for Inborn genetic diseases. Last evaluated: 2025-01-22. Review status: criteria provided, single submitter. Criteria: Ambry Variant Classification Scheme 2023. Collection method: clinical testing. Allele origin: germline.

Women's Health and Genetics/Laboratory Corporation of America, LabCorp
Classification: Uncertain significance. Last evaluated: 2024-03-13. Review status: criteria provided, single submitter. Criteria: LabCorp Variant Classification Summary - May 2015. Collection method: clinical testing. Allele origin: germline.
Comment: Variant summary: NEB c.20128G>A (p.Val6710Ile) results in a conservative amino acid change in the encoded protein sequence. Five of five in-silico tools predict a benign effect of the variant on protein function. The variant allele was found at a frequency of 0.00065 in 248924 control chromosomes in the gnomAD database, including 1 homozygotes. This frequency is not significantly higher than estimated for a pathogenic variant in NEB causing Nemaline Myopathy 2 (0.00065 vs 0.0035), allowing no conclusion about variant significance. To our knowledge, no occurrence of c.20128G>A in individuals affected with Nemaline Myopathy 2 and no experimental evidence demonstrating its impact on protein function have been reported. ClinVar contains an entry for this variant (Variation ID: 465532). Based on the evidence outlined above, the variant was classified as uncertain significance.

GeneDx
Classification: Likely benign. Last evaluated: 2019-01-31. Review status: criteria provided, single submitter. Criteria: GeneDx Variant Classification Process June 2021. Collection method: clinical testing. Allele origin: germline. Affected: yes.
Comment: This variant is associated with the following publications: (PMID: 25214167)

Athena Diagnostics
Classification: Likely benign. Last evaluated: 2018-04-27. Review status: criteria provided, single submitter. Criteria: Athena Diagnostics Criteria. Collection method: clinical testing. Allele origin: germline.

Illumina Laboratory Services, Illumina
Classification: Uncertain significance for Nemaline myopathy 2. Last evaluated: 2018-01-12. Review status: criteria provided, single submitter. Criteria: ICSL Variant Classification Criteria 13 December 2019. Collection method: clinical testing. Allele origin: germline.

PreventionGenetics, part of Exact Sciences
Classification: Likely benign for NEB-related condition. Last evaluated: 2022-01-31. Review status: no assertion criteria provided. Collection method: clinical testing. Allele origin: germline. Not counted in ClinVar's aggregate classification.
Comment: This variant is classified as likely benign based on ACMG/AMP sequence variant interpretation guidelines (Richards et al. 2015 PMID: 25741868, with internal and published modifications).